The following is an entry in ClinVar:

NM_001130987.2(DYSF):c.3853dup (p.Ser1285fs)

Gene: DYSF (dysferlin; plus strand). Cytogenetic location: 2p13.2.
Variant type: Duplication.
Coding change: c.3853dup on transcript NM_001130987.2 (MANE Select); coding-DNA position 3853, one base duplicated (T; older notation c.3853dupT).
Protein change: p.Ser1285fs; shifts the reading frame from serine 1285.
Molecular consequence: frameshift variant.
Genome position (GRCh38, 1-based): chr2:71,600,798, T duplicated. VCF-style (leftmost placement, unchanged base first): chr2-71600797-G-GT. GRCh37 (hg19) VCF-style: chr2-71827927-G-GT.
Other names: c.3802dup, p.Ser1268fs (NM_001130455.2, NM_001130983.2); c.3757dup, p.Ser1253fs (NM_001130976.2, NM_001130977.2); c.3799dup, p.Ser1267fs (NM_001130978.2, NM_003494.4); c.3892dup, p.Ser1298fs (NM_001130979.2); c.3850dup, p.Ser1284fs (NM_001130980.2, NM_001130981.2); c.3895dup, p.Ser1299fs (NM_001130982.2); c.3760dup, p.Ser1254fs (NM_001130984.2, NM_001130986.2); c.3853dup, p.Ser1285fs (NM_001130985.2); short protein forms S1253fs, S1254fs, S1267fs, S1268fs, S1284fs, S1285fs, S1298fs, S1299fs.
Identifiers: ClinVar variation 5012224 (VCV005012224.1).
Genomic context (GRCh38, chr2:71,600,797, plus strand): 5'-ACCGAGTCTGGAACGGATGCCACGGCTGGCCTGGTTCCCACTGACGAGGGGCAGCCAGCC[G>GT]TCGGGGGAGCTGCTGGCCTCTTTTGAGCTCATCCAGAGAGAGAAGGTGAGGCTGGTCTAT-3'

ClinVar aggregate classification (germline): Pathogenic (1 of 4 stars; one submission).

Conditions:
Autosomal recessive limb-girdle muscular dystrophy. Identifiers: Orphanet 102015, MedGen C2931907, MONDO:0015152.

Submission:

Myriad Genetics, Inc.
Classification: Pathogenic for Autosomal recessive limb-girdle muscular dystrophy. Last evaluated: 2023-09-27. Review status: criteria provided, single submitter. Criteria: Myriad Autosomal Dominant, Autosomal Recessive and X-Linked Classification Criteria (2023). Collection method: clinical testing. Allele origin: unknown.
Comment: NM_003494.3(DYSF):c.3799dupT(S1267Ffs*9) is expected to be pathogenic in the context of dysferlinopathy. This variant is predicted to lead to an abnormal or absent protein product due to the creation of a premature termination codon in DYSF, a gene where loss-of-function variants are known to be pathogenic. Please note: this variant was assessed in the context of healthy population screening.